The following is an entry in ClinVar:

NM_006087.4(TUBB4A):c.450G>A (p.Leu150=)

Gene: TUBB4A (tubulin beta 4A class IVa; minus strand). Cytogenetic location: 19p13.3.
Variant type: single nucleotide variant.
Coding change: c.450G>A on transcript NM_006087.4 (MANE Select); coding-DNA position 450, G replaced by A.
Protein change: p.Leu150=; no amino-acid change (leucine 150 retained).
Molecular consequence: synonymous variant.
Genome position (GRCh38, 1-based): chr19:6,496,049, C>T on the plus strand (G>A on the coding strand, the complement: TUBB4A is on the minus strand). VCF-style: chr19-6496049-C-T. GRCh37 (hg19) VCF-style: chr19-6496060-C-T.
Other names: c.603G>A, p.Leu201= (NM_001289123.2); c.585G>A, p.Leu195= (NM_001289127.2); c.450G>A, p.Leu150= (NM_001289129.2); c.234G>A, p.Leu78= (NM_001289130.2, NM_001289131.2).
Identifiers: ClinVar variation 796170 (VCV000796170.12), dbSNP rs1272350809, ClinGen allele CA505189573.

ClinVar aggregate classification (germline): Likely benign. Review status: criteria provided, single submitter (1 of 4 stars). 2 submissions from 2 submitters: Likely benign (1). 1 of the submissions does not count toward it. Last evaluated 2019-06-22.

Conditions:
TUBB4A-related disorder. Also called: TUBB4A-related condition.
Leukodystrophy, hypomyelinating, 6. Also called: Hypomyelination with Atrophy of Basal Ganglia and Cerebellum (H-ABC); LEUKODYSTROPHY, HYPOMYELINATING, WITH ATROPHY OF THE BASAL GANGLIA AND CEREBELLUM; TUBB4A-Associated Leukodystrophy. Identifiers: Orphanet 139441, MedGen C2676244, MONDO:0012905, OMIM 612438.

gnomAD v4.1: 21 of 1,614,182 alleles (0.0013%); highest among the groups gnomAD compares: Non-Finnish European, 0.0018%; no homozygotes.

Submissions (2):

Labcorp Genetics (formerly Invitae), Labcorp
Classification: Likely benign for Leukodystrophy, hypomyelinating, 6. Last evaluated: 2019-06-22. Review status: criteria provided, single submitter. Criteria: Invitae Variant Classification Sherloc (09022015). Collection method: clinical testing. Allele origin: germline.

PreventionGenetics, part of Exact Sciences
Classification: Likely benign for TUBB4A-related condition. Last evaluated: 2021-02-23. Review status: no assertion criteria provided. Collection method: clinical testing. Allele origin: germline. Not counted in ClinVar's aggregate classification.
Comment: This variant is classified as likely benign based on ACMG/AMP sequence variant interpretation guidelines (Richards et al. 2015 PMID: 25741868, with internal and published modifications).